The following is an entry in ClinVar:

ClinVar aggregate classification (germline): Uncertain significance (1 of 4 stars; one submission).

Submission:

Labcorp Genetics (formerly Invitae), Labcorp
Classification: Uncertain significance. Last evaluated: 2023-11-29. Review status: criteria provided, single submitter. Criteria: Invitae Variant Classification Sherloc (09022015). Collection method: clinical testing. Allele origin: germline.
Comment: This sequence change replaces cysteine, which is neutral and slightly polar, with arginine, which is basic and polar, at codon 82 of the AVPR2 protein (p.Cys82Arg). This variant is not present in population databases (gnomAD no frequency). This variant has not been reported in the literature in individuals affected with AVPR2-related conditions. Advanced modeling of protein sequence and biophysical properties (such as structural, functional, and spatial information, amino acid conservation, physicochemical variation, residue mobility, and thermodynamic stability) performed at Invitae indicates that this missense variant is expected to disrupt AVPR2 protein function with a positive predictive value of 80%. In summary, the available evidence is currently insufficient to determine the role of this variant in disease. Therefore, it has been classified as a Variant of Uncertain Significance.

NM_000054.7(AVPR2):c.244T>C (p.Cys82Arg)

Gene: AVPR2 (arginine vasopressin receptor 2; plus strand). Cytogenetic location: Xq28.
Variant type: single nucleotide variant.
Coding change: c.244T>C on transcript NM_000054.7 (MANE Select); coding-DNA position 244, T replaced by C.
Protein change: p.Cys82Arg; replaces cysteine 82 with arginine.
Molecular consequence: missense variant.
Genome position (GRCh38, 1-based): chrX:153,905,750, T>C. VCF-style: chrX-153905750-T-C. GRCh37 (hg19) VCF-style: chrX-153171204-T-C.
Other names: c.244T>C, p.Cys82Arg (NM_001146151.3); short protein forms C82R.
Identifiers: ClinVar variation 2699752 (VCV002699752.3), dbSNP rs2521152721, ClinGen allele CA415104546.
Genomic context (GRCh38, chrX:153,905,750, plus strand): 5'-CTAGCTCGGCGGGGCCGGCGGGGCCACTGGGCACCCATACACGTCTTCATTGGCCACTTG[T>C]GCCTGGCCGACCTGGCCGTGGCTCTGTTCCAAGTGCTGCCCCAGCTGGCCTGGAAGGCCA-3'
Protein context (NP_000045.1, residues 72-92): APIHVFIGHL[Cys82Arg]LADLAVALFQ